The following is an entry in ClinVar:

ClinVar aggregate classification (germline): Conflicting classifications of pathogenicity. Review status: criteria provided, conflicting classifications (1 of 4 stars). 9 submissions from 9 submitters: Uncertain significance (5); Likely benign (4). Last evaluated 2026-04-21.

Conditions:
Cardiovascular phenotype. Identifiers: MedGen CN230736.
Osteogenesis imperfecta type I (OI1). Also called: Lobstein's Disease; Osteogenesis imperfecta type 1; OI, TYPE I; OSTEOGENESIS IMPERFECTA TARDA; OSTEOGENESIS IMPERFECTA WITH BLUE SCLERAE; Classic Non-deforming Osteogenesis Imperfecta with Blue Sclerae. Identifiers: Orphanet 216796, Orphanet 666, MedGen C0023931, MONDO:0008146, OMIM 166200. Disease mechanism: loss of function.
Ehlers-Danlos syndrome, arthrochalasia type. Also called: ARTHROCHALASIS MULTIPLEX CONGENITA; EDS VII, MUTANT PROCOLLAGEN TYPE; EDS VIIA; Ehlers-Danlos syndrome, arthrochalasia type, 1; Ehlers-Danlos syndrome, arthrochalasis type. Identifiers: Orphanet 1899, Orphanet 99875, Orphanet 99876, MedGen C4551623, MONDO:0007525, OMIM 130060.

Allele frequency attached by ClinVar (database versions not stated): ExAC 0.00001; gnomAD 0.00001; gnomAD exomes 0.00002 and 0.00004; TOPMed 0.00002.
gnomAD v4.1: 52 of 1,613,636 alleles (0.0032%); highest among the groups gnomAD compares: Non-Finnish European, 0.0042%; no homozygotes.

Submissions (9):

Women's Health and Genetics/Laboratory Corporation of America, LabCorp
Classification: Likely benign. Last evaluated: 2026-04-21. Review status: criteria provided, single submitter. Criteria: LabCorp Variant Classification Summary - May 2015. Collection method: clinical testing. Allele origin: germline.
Comment: Variant summary: COL1A1 c.3556C>G (p.Pro1186Ala) results in a non-conservative amino acid change in the encoded protein sequence. Algorithms developed to predict the effect of missense changes on protein structure and function are either unavailable or do not agree on the potential impact of this missense change. The variant allele was found at a frequency of 3.2e-05 in 1613636 control chromosomes, predominantly at a frequency of 4.2e-05 within the Non-Finnish European subpopulation in the gnomAD database. The observed variant frequency within Non-Finnish European control individuals in the gnomAD database exceeds the estimated maximal expected allele frequency for disease-causing variants in COL1A1. To our knowledge, no occurrence of c.3556C>G in individuals affected with COL1A1-related conditions and no experimental evidence demonstrating its impact on protein function have been reported. ClinVar contains an entry for this variant (Variation ID: 808289). Based on the evidence outlined above, the variant was classified as likely benign.

Labcorp Genetics (formerly Invitae), Labcorp
Classification: Likely benign for Osteogenesis imperfecta type I. Last evaluated: 2025-01-06. Review status: criteria provided, single submitter. Criteria: Invitae Variant Classification Sherloc (09022015). Collection method: clinical testing. Allele origin: germline.

Ambry Genetics
Classification: Uncertain significance for Cardiovascular phenotype. Last evaluated: 2024-10-28. Review status: criteria provided, single submitter. Criteria: Ambry Variant Classification Scheme 2023. Collection method: clinical testing. Allele origin: germline.
Comment: The p.P1186A variant (also known as c.3556C>G), located in coding exon 48 of the COL1A1 gene, results from a C to G substitution at nucleotide position 3556. The proline at codon 1186 is replaced by alanine, an amino acid with highly similar properties. This variant has been reported in a subject with features of COL1A1-related disease who also carried a nonsense alteration in COL1A1 (Hruskova L et al. Biomed Pap Med Fac Univ Palacky Olomouc Czech, 2016 Sep;160:442-7). This amino acid position is highly conserved in available vertebrate species. In addition, the in silico prediction for this alteration is inconclusive. Based on the available evidence, the clinical significance of this variant remains unclear.

Revvity Omics, Revvity
Classification: Uncertain significance. Last evaluated: 2024-10-03. Review status: criteria provided, single submitter. Criteria: ACMG Guidelines, 2015. Collection method: clinical testing. Allele origin: germline.

Blueprint Genetics
Classification: Uncertain significance. Last evaluated: 2024-02-09. Review status: criteria provided, single submitter. Criteria: ACMG Guidelines, 2015. Collection method: clinical testing. Allele origin: germline.

Mayo Clinic Laboratories, Mayo Clinic
Classification: Uncertain significance. Last evaluated: 2022-04-20. Review status: criteria provided, single submitter. Criteria: ACMG Guidelines, 2015. Collection method: clinical testing. Allele origin: germline. Observed: 1 variant allele.
Comment: BP5

Victorian Clinical Genetics Services, Murdoch Childrens Research Institute
Classification: Likely benign for Ehlers-Danlos syndrome, arthrochalasia type. Last evaluated: 2021-05-06. Review status: criteria provided, single submitter. Criteria: ACMG Guidelines, 2015. Collection method: clinical testing. Allele origin: germline. Inheritance: Autosomal dominant inheritance. Affected: yes.
Comment: Based on the classification scheme VCGS_Germline_v1.3.4, this variant is classified as Likely benign. Following criteria are met: 0103 - Dominant negative and loss of function are known mechanisms of disease in this gene and are associated with arthrochalasia type Ehlers-Danlos syndrome 1 (MIM#130060) and other COL1A1-related conditions. Variants resulting in a truncated protein are known to have a loss of function effect, while pathogenic missense variants affecting the G-X-Y of a triple helix repeat domain have a dominant negative effect (PMIDs: 27509835, 12362985). (I) 0107 - This gene is associated with autosomal dominant disease. (I) 0200 - Variant is predicted to result in a missense amino acid change from proline to alanine. (I) 0251 - This variant is heterozygous. (I) 0302 - Variant is present in gnomAD (v2) <0.001 for a dominant condition (4 heterozygotes, 0 homozygotes). (SP) 0502 - Missense variant with conflicting in silico predictions and uninformative conservation. (I) 0600 - Variant is located in the annotated collagen triple helix repeat domain (PDB). (I) 0705 - No comparable missense variants have previous evidence for pathogenicity. (I) 0806 - This variant has moderate previous evidence of being benign in unrelated individuals. It has recently been reported as likely benign in ClinVar. It has also been interpreted as variant of uncertain significance in a publication (PMID: 27132807). (SB) 0905 - No published segregation evidence has been identified for this variant. (I) 1007 - No published functional evidence has been identified for this variant. (I) Legend: (SP) - Supporting pathogenic, (I) - Information, (SB) - Supporting benign

GeneDx
Classification: Uncertain significance. Last evaluated: 2020-10-08. Review status: criteria provided, single submitter. Criteria: GeneDx Variant Classification Process June 2021. Collection method: clinical testing. Allele origin: germline. Affected: yes.
Comment: Reported in a patient with OI who was also found to harbor a nonsense variant in the COL1A1 gene, but it was not clarified if these variants were on the same allele (in cis) or on opposite alleles (in trans) (Hruskova et al., 2016); Not observed at a significant frequency in large population cohorts (Lek et al., 2016); In silico analysis, which includes protein predictors and evolutionary conservation, supports a deleterious effect; Occurs in the triple helical domain at the Y position in the canonical Gly-X-Y repeat; although this variant may have an effect on normal protein folding and function, missense substitution at the Y position is not a common mechanism of disease (Stenson et al., 2014); This variant is associated with the following publications: (PMID: 27132807)

CeGaT Center for Human Genetics Tuebingen
Classification: Likely benign. Last evaluated: 2019-07-01. Review status: criteria provided, single submitter. Criteria: CeGaT Center For Human Genetics Tuebingen Variant Classification Criteria Version 2. Collection method: clinical testing. Allele origin: germline. Affected: yes. Observed: 1 variant allele.

Literature cited by the submitters: PubMed 27132807 (cited by Ambry Genetics and Victorian Clinical Genetics Services, Murdoch Childrens Research Institute); PubMed 12362985 (cited by Victorian Clinical Genetics Services, Murdoch Childrens Research Institute); PubMed 27509835 (cited by Victorian Clinical Genetics Services, Murdoch Childrens Research Institute).

NM_000088.4(COL1A1):c.3556C>G (p.Pro1186Ala)

Gene: COL1A1 (collagen type I alpha 1 chain; minus strand). Cytogenetic location: 17q21.33.
Variant type: single nucleotide variant.
Coding change: c.3556C>G on transcript NM_000088.4 (MANE Select); coding-DNA position 3556, C replaced by G.
Protein change: p.Pro1186Ala; replaces proline 1186 with alanine.
Molecular consequence: missense variant.
Genome position (GRCh38, 1-based): chr17:50,186,898, G>C on the plus strand (C>G on the coding strand, the complement: COL1A1 is on the minus strand). VCF-style: chr17-50186898-G-C. GRCh37 (hg19) VCF-style: chr17-48264259-G-C.
Other names: p.Pro1186Ala; short protein forms P1186A.
Identifiers: ClinVar variation 808289 (VCV000808289.59), dbSNP rs766461654, ClinGen allele CA8644395.